The following is an entry in ClinVar:

NM_000214.3(JAG1):c.371T>C (p.Phe124Ser)

Gene: JAG1 (jagged canonical Notch ligand 1; minus strand). Cytogenetic location: 20p12.2.
Variant type: single nucleotide variant.
Coding change: c.371T>C on transcript NM_000214.3 (MANE Select); coding-DNA position 371, T replaced by C.
Protein change: p.Phe124Ser; replaces phenylalanine 124 with serine.
Molecular consequence: missense variant.
Genome position (GRCh38, 1-based): chr20:10,672,717, A>G on the plus strand (T>C on the coding strand, the complement: JAG1 is on the minus strand). VCF-style: chr20-10672717-A-G. GRCh37 (hg19) VCF-style: chr20-10653365-A-G.
Other names: short protein forms F124S.
Identifiers: ClinVar variation 3573449 (VCV003573449.2).

Conditions:
Arteriohepatic dysplasia. Also called: Alagille Syndrome. Identifiers: Orphanet 52, MedGen C0085280, MeSH D016738, MONDO:0007318.

Submission:

Gilbert/Spinner Lab, Children's Hospital of Philadelphia
No classification provided (evidence only). Condition: Alagille syndrome. Review status: no classification provided. Collection method: research. Allele origin: not applicable. Functional consequence: functionally_abnormal.
ClinVar note: "not provided" was previously submitted as the classification for the variant. However, the classification appeared to be based only on an observation of functional data so it was converted to no classification on 2025-07-30.